The following is an entry in ClinVar:

NM_001854.4(COL11A1):c.2225G>C (p.Gly742Ala)

Gene: COL11A1 (collagen type XI alpha 1 chain; minus strand). Cytogenetic location: 1p21.1.
Variant type: single nucleotide variant.
Coding change: c.2225G>C on transcript NM_001854.4 (MANE Select); coding-DNA position 2225, G replaced by C.
Protein change: p.Gly742Ala; replaces glycine 742 with alanine.
Molecular consequence: missense variant. On other transcripts: non-coding transcript variant (1).
Genome position (GRCh38, 1-based): chr1:102,997,096, C>G on the plus strand (G>C on the coding strand, the complement: COL11A1 is on the minus strand). VCF-style: chr1-102997096-C-G. GRCh37 (hg19) VCF-style: chr1-103462652-C-G.
Other names: c.2108G>C, p.Gly703Ala (NM_001190709.2); c.2261G>C, p.Gly754Ala (NM_080629.3); c.1877G>C, p.Gly626Ala (NM_080630.4); c.2225G>C (NM_001854.3); short protein forms G742A, G754A, G703A, G626A.
Identifiers: ClinVar variation 289968 (VCV000289968.8), dbSNP rs886044320, ClinGen allele CA10606613.

ClinVar aggregate classification (germline): Uncertain significance. Review status: criteria provided, multiple submitters, no conflicts (2 of 4 stars). 3 submissions from 3 submitters: Uncertain significance (3). Last evaluated 2026-10-01.

gnomAD v4.1: 1 of 1,611,920 alleles (0.000062%); highest among the groups gnomAD compares: Non-Finnish European, 0.000085%; no homozygotes.

Submissions (3):

GeneDx
Classification: Uncertain significance. Last evaluated: 2026-10-01. Review status: criteria provided, single submitter. Criteria: GeneDx Variant Classification Process June 2021. Collection method: clinical testing. Allele origin: germline.
Comment: Not observed at significant frequency in large population cohorts (gnomAD); In silico analysis supports that this missense variant has a deleterious effect on protein structure/function; Has not been previously published as pathogenic or benign to our knowledge; This variant is associated with the following publications: (PMID: 25240749)

Labcorp Genetics (formerly Invitae), Labcorp
Classification: Uncertain significance. Last evaluated: 2025-12-13. Review status: criteria provided, single submitter. Criteria: Invitae Variant Classification Sherloc (09022015). Collection method: clinical testing. Allele origin: germline.
Comment: This sequence change replaces glycine, which is neutral and non-polar, with alanine, which is neutral and non-polar, at codon 742 of the COL11A1 protein (p.Gly742Ala). This variant is not present in population databases (gnomAD no frequency). This variant has not been reported in the literature in individuals affected with COL11A1-related conditions. ClinVar contains an entry for this variant (Variation ID: 289968). Invitae Evidence Modeling of protein sequence and biophysical properties (such as structural, functional, and spatial information, amino acid conservation, physicochemical variation, residue mobility, and thermodynamic stability) indicates that this missense variant is expected to disrupt COL11A1 protein function with a positive predictive value of 80%. In summary, the available evidence is currently insufficient to determine the role of this variant in disease. Therefore, it has been classified as a Variant of Uncertain Significance.

Eurofins Ntd Llc (ga)
Classification: Uncertain significance. Last evaluated: 2016-08-02. Review status: criteria provided, single submitter. Criteria: EGL Classification Definitions 2015. Collection method: clinical testing. Allele origin: germline. Observed: 1 variant allele, 1 heterozygote.